The following is an entry in ClinVar:

ClinVar aggregate classification (germline): Conflicting classifications of pathogenicity. Review status: criteria provided, conflicting classifications (1 of 4 stars). 2 submissions from 2 submitters: Likely pathogenic (1); Uncertain significance (1). Last evaluated 2025-11-28.

Conditions:
Spongy degeneration of central nervous system. Also called: ACY2 DEFICIENCY; AMINOACYLASE 2 DEFICIENCY; ASP DEFICIENCY; ASPA DEFICIENCY; ASPARTOACYLASE DEFICIENCY; CANAVAN-VAN BOGAERT-BERTRAND DISEASE. Identifiers: Orphanet 141, MedGen C0206307, MONDO:0010079, OMIM 271900.

gnomAD v4.1: 2 of 1,614,042 alleles (0.00012%); highest among the groups gnomAD compares: Non-Finnish European, 0.00017%; no homozygotes.

Submissions (2):

Labcorp Genetics (formerly Invitae), Labcorp
Classification: Likely pathogenic for Spongy degeneration of central nervous system. Last evaluated: 2025-11-28. Review status: criteria provided, single submitter. Criteria: Invitae Variant Classification Sherloc (09022015). Collection method: clinical testing. Allele origin: germline.
Comment: This sequence change replaces arginine, which is basic and polar, with leucine, which is neutral and non-polar, at codon 71 of the ASPA protein (p.Arg71Leu). This variant is not present in population databases (gnomAD no frequency). This variant has not been reported in the literature in individuals affected with ASPA-related conditions. Invitae Evidence Modeling of protein sequence and biophysical properties (such as structural, functional, and spatial information, amino acid conservation, physicochemical variation, residue mobility, and thermodynamic stability) indicates that this missense variant is expected to disrupt ASPA protein function with a positive predictive value of 95%. This variant disrupts the p.Arg71 amino acid residue in ASPA. Other variant(s) that disrupt this residue have been determined to be pathogenic (PMID: 16437572, 18070137, 22850825, 25107638). This suggests that this residue is clinically significant, and that variants that disrupt this residue are likely to be disease-causing. In summary, the currently available evidence indicates that the variant is pathogenic, but additional data are needed to prove that conclusively. Therefore, this variant has been classified as Likely Pathogenic.

Juno Genomics, Hangzhou Juno Genomics, Inc
Classification: Uncertain significance for Spongy degeneration of central nervous system. Review status: criteria provided, single submitter. Criteria: ACMG Guidelines, 2015. Collection method: clinical testing. Allele origin: germline.
Comment: Absent from controls (or at extremely low frequency if recessive) in Genome Aggregation Database.;Novel missense change at an amino acid residue where a different missense change determined to be pathogenic has been seen before.;Multiple lines of computational evidence support a deleterious effect on the gene or gene product.;Located in a mutational hot spot and/or critical and well-established functional domain without benign variation.

Literature cited by the submitters: PubMed 16437572 (cited by Labcorp Genetics (formerly Invitae), Labcorp); PubMed 18070137 (cited by Labcorp Genetics (formerly Invitae), Labcorp); PubMed 22850825 (cited by Labcorp Genetics (formerly Invitae), Labcorp); PubMed 25107638 (cited by Labcorp Genetics (formerly Invitae), Labcorp).

NM_000049.4(ASPA):c.212G>T (p.Arg71Leu)

Genes: ASPA (aspartoacylase; plus strand), SPATA22 (spermatogenesis associated 22; minus strand). Cytogenetic location: 17p13.2.
Variant type: single nucleotide variant.
Coding change: c.212G>T on transcript NM_000049.4 (MANE Select); coding-DNA position 212, G replaced by T.
Protein change: p.Arg71Leu; replaces arginine 71 with leucine.
Molecular consequence: missense variant. On other transcripts: intron variant (2).
Genome position (GRCh38, 1-based): chr17:3,476,371, G>T. VCF-style: chr17-3476371-G-T. GRCh37 (hg19) VCF-style: chr17-3379665-G-T.
Other names: c.212G>T, p.Arg71Leu (NM_001128085.1); c.-73-6973C>A (NM_001321336.2, NM_001321337.2); short protein forms R71L.
Identifiers: ClinVar variation 4764700 (VCV004764700.3).